The following is an entry in ClinVar:

ClinVar aggregate classification (germline): Benign/Likely benign. Review status: criteria provided, multiple submitters, no conflicts (2 of 4 stars). 4 submissions from 4 submitters: Benign (1); Likely benign (3). Last evaluated 2026-06-16.

Conditions:
Polyps, multiple and recurrent inflammatory fibroid, gastrointestinal. Identifiers: MedGen C5193005, MONDO:0008285, OMIM 175510.
Hereditary cancer-predisposing syndrome. Also called: Neoplastic Syndromes, Hereditary; Hereditary Cancer Syndrome; Hereditary neoplastic syndrome; Tumor predisposition. Identifiers: Orphanet 140162, MedGen C0027672, MeSH D009386, MONDO:0015356.
Gastrointestinal stromal tumor. Also called: Gastrointestinal stromal tumor, somatic; Gastrointestinal stroma tumor. Identifiers: Orphanet 44890, MedGen C0238198, MeSH D046152, MONDO:0011719, OMIM 606764, HP:0100723.

Allele frequency attached by ClinVar (database versions not stated): gnomAD exomes below 0.00001 and 0.00001; TOPMed 0.00001; ExAC 0.00002.
gnomAD v4.1: 8 of 1,614,118 alleles (0.0005%); highest among the groups gnomAD compares: South Asian, 0.0022%; no homozygotes.

Submissions (4):

Myriad Genetics, Inc.
Classification: Benign for Polyps, multiple and recurrent inflammatory fibroid, gastrointestinal. Last evaluated: 2026-06-16. Review status: criteria provided, single submitter. Criteria: Myriad Autosomal Dominant, Autosomal Recessive and X-Linked Classification Criteria (2023). Collection method: clinical testing. Allele origin: unknown.
Comment: This variant is considered benign. This variant is a silent/synonymous amino acid change and it is not expected to impact splicing.

Labcorp Genetics (formerly Invitae), Labcorp
Classification: Likely benign for Gastrointestinal stromal tumor. Last evaluated: 2025-10-01. Review status: criteria provided, single submitter. Criteria: Invitae Variant Classification Sherloc (09022015). Collection method: clinical testing. Allele origin: germline.

Blueprint Genetics
Classification: Likely benign. Last evaluated: 2023-08-25. Review status: criteria provided, single submitter. Criteria: ACMG Guidelines, 2015. Collection method: clinical testing. Allele origin: germline.

Ambry Genetics
Classification: Likely benign for Hereditary cancer-predisposing syndrome. Last evaluated: 2022-05-24. Review status: criteria provided, single submitter. Criteria: Ambry Variant Classification Scheme 2023. Collection method: clinical testing. Allele origin: germline.

NM_006206.6(PDGFRA):c.864C>T (p.Tyr288=)

Gene: PDGFRA (platelet derived growth factor receptor alpha; plus strand). Cytogenetic location: 4q12.
Variant type: single nucleotide variant.
Coding change: c.864C>T on transcript NM_006206.6 (MANE Select); coding-DNA position 864, C replaced by T.
Protein change: p.Tyr288=; no amino-acid change (tyrosine 288 retained).
Molecular consequence: synonymous variant.
Genome position (GRCh38, 1-based): chr4:54,267,393, C>T. VCF-style: chr4-54267393-C-T. GRCh37 (hg19) VCF-style: chr4-55133560-C-T.
Other names: c.864C>T, p.Tyr288= (NM_001347827.2, NM_001347829.2); c.939C>T, p.Tyr313= (NM_001347828.2); c.903C>T, p.Tyr301= (NM_001347830.2).
Identifiers: ClinVar variation 459125 (VCV000459125.16), dbSNP rs769092243, ClinGen allele CA2922407.
Genomic context (GRCh38, chr4:54,267,393, plus strand): 5'-CATCAAATTGGTGTACACTTTGACGGTCCCCGAGGCCACGGTGAAAGACAGTGGAGATTA[C>T]GAATGTGCTGCCCGCCAGGCTACCAGGGAGGTCAAAGAAATGAAGAAAGTCACTATTTCT-3'
Protein context (NP_006197.1, residues 278-298): PEATVKDSGD[Tyr288=]ECAARQATRE